The following is an entry in ClinVar:

NM_000094.4(COL7A1):c.2543T>G (p.Val848Gly)

Gene: COL7A1 (collagen type VII alpha 1 chain; minus strand). Cytogenetic location: 3p21.31.
Variant type: single nucleotide variant.
Coding change: c.2543T>G on transcript NM_000094.4 (MANE Select); coding-DNA position 2543, T replaced by G.
Protein change: p.Val848Gly; replaces valine 848 with glycine.
Molecular consequence: missense variant.
Genome position (GRCh38, 1-based): chr3:48,588,686, A>C on the plus strand (T>G on the coding strand, the complement: COL7A1 is on the minus strand). VCF-style: chr3-48588686-A-C. GRCh37 (hg19) VCF-style: chr3-48626119-A-C.
Other names: short protein forms V848G.
Identifiers: ClinVar variation 2155973 (VCV002155973.5), dbSNP rs758940600, ClinGen allele CA2380861.
Genomic context (GRCh38, chr3:48,588,686, plus strand): 5'-CGCATGCTCTGCCTACGCGTAGTGACAACAATGGAGACAGGTGTGCCCTCGCGGTCCCCG[A>C]CAAGTGCAGTCACTCGCACTGAGTAGCTGACTCCACCTTCGAGACCCCGGATCTCTGCAG-3'
Protein context (NP_000085.1, residues 838-858): VSYSVRVTAL[Val848Gly]GDREGTPVSI

ClinVar aggregate classification (germline): Conflicting classifications of pathogenicity. Review status: criteria provided, conflicting classifications (1 of 4 stars). 2 submissions from 2 submitters: Uncertain significance (1); Likely benign (1). Last evaluated 2025-12-03.

Allele frequency attached by ClinVar (database versions not stated): gnomAD 0.00001; gnomAD exomes 0.00001; TOPMed 0.00002; ExAC 0.00004.
gnomAD v4.1: 15 of 1,613,750 alleles (0.00093%); highest among the groups gnomAD compares: East Asian, 0.031%; no homozygotes.

Submissions (2):

Labcorp Genetics (formerly Invitae), Labcorp
Classification: Likely benign. Last evaluated: 2025-12-03. Review status: criteria provided, single submitter. Criteria: Invitae Variant Classification Sherloc (09022015). Collection method: clinical testing. Allele origin: germline.

Women's Health and Genetics/Laboratory Corporation of America, LabCorp
Classification: Uncertain significance. Last evaluated: 2023-02-14. Review status: criteria provided, single submitter. Criteria: LabCorp Variant Classification Summary - May 2015. Collection method: clinical testing. Allele origin: germline.
Comment: Variant summary: COL7A1 c.2543T>G (p.Val848Gly) results in a non-conservative amino acid change located in the Fibronectin type III domain (IPR003961) of the encoded protein sequence. Three of five in-silico tools predict a damaging effect of the variant on protein function. The variant allele was found at a frequency of 4.8e-05 in 251364 control chromosomes (gnomAD). c.2543T>G has been reported in the literature in one individual affected with aortic dissection (Li_2016). The report does not provide unequivocal conclusions about association of the variant with Dystrophic Epidermolysis Bullosa, Recessive. To our knowledge, no experimental evidence demonstrating an impact on protein function has been reported. One ClinVar submitter (evaluation after 2014) cites this variant as likely benign. Based on the evidence outlined above, the variant was classified as uncertain significance.

Literature cited by the submitters: PubMed 27975164 (cited by Women's Health and Genetics/Laboratory Corporation of America, LabCorp).